The following is an entry in ClinVar:

NM_003482.4(KMT2D):c.11002C>G (p.Pro3668Ala)

Gene: KMT2D (lysine methyltransferase 2D; minus strand). Cytogenetic location: 12q13.12.
Variant type: single nucleotide variant.
Coding change: c.11002C>G on transcript NM_003482.4 (MANE Select); coding-DNA position 11002, C replaced by G.
Protein change: p.Pro3668Ala; replaces proline 3668 with alanine.
Molecular consequence: missense variant.
Genome position (GRCh38, 1-based): chr12:49,033,703, G>C on the plus strand (C>G on the coding strand, the complement: KMT2D is on the minus strand). VCF-style: chr12-49033703-G-C. GRCh37 (hg19) VCF-style: chr12-49427486-G-C.
Other names: short protein forms P3668A.
Identifiers: ClinVar variation 1421507 (VCV001421507.8), dbSNP rs770592628, ClinGen allele CA6546386.

ClinVar aggregate classification (germline): Uncertain significance (1 of 4 stars; one submission).

Conditions:
Kabuki syndrome. Also called: Kabuki make-up syndrome; NIIKAWA-KUROKI SYNDROME. Identifiers: Orphanet 2322, MedGen C0796004, MONDO:0016512.

Allele frequency attached by ClinVar (database versions not stated): gnomAD exomes below 0.00001 and 0.00001; TOPMed below 0.00001; ExAC 0.00001; gnomAD 0.00001.

Submission:

Labcorp Genetics (formerly Invitae), Labcorp
Classification: Uncertain significance for Kabuki syndrome. Last evaluated: 2020-11-03. Review status: criteria provided, single submitter. Criteria: Invitae Variant Classification Sherloc (09022015). Collection method: clinical testing. Allele origin: germline.
Comment: In summary, the available evidence is currently insufficient to determine the role of this variant in disease. Therefore, it has been classified as a Variant of Uncertain Significance. Advanced modeling of protein sequence and biophysical properties (such as structural, functional, and spatial information, amino acid conservation, physicochemical variation, residue mobility, and thermodynamic stability) performed at Invitae indicates that this missense variant is not expected to disrupt KMT2D protein function. This variant has not been reported in the literature in individuals with KMT2D-related conditions. This variant is present in population databases (rs770592628, ExAC 0.002%). This sequence change replaces proline with alanine at codon 3668 of the KMT2D protein (p.Pro3668Ala). The proline residue is moderately conserved and there is a small physicochemical difference between proline and alanine.